The following is an entry in ClinVar:

NM_001291867.2(NHS):c.3658_3662del (p.Asn1220fs)

Gene: NHS (NHS actin remodeling regulator; plus strand). Cytogenetic location: Xp22.13.
Variant type: Deletion.
Coding change: c.3658_3662del on transcript NM_001291867.2 (MANE Select); coding-DNA positions 3658 to 3662, 5 bases deleted (AACTC; older notation c.3658_3662delAACTC).
Protein change: p.Asn1220fs; shifts the reading frame from asparagine 1220.
Molecular consequence: frameshift variant.
Genome position (GRCh38, 1-based): chrX:17,727,764-17,727,768, AACTC deleted. VCF-style (leftmost placement, unchanged base first): chrX-17727763-AAACTC-A. GRCh37 (hg19) VCF-style: chrX-17745883-AAACTC-A.
Other names: c.3127_3131del, p.Asn1043fs (NM_001136024.4); c.3064_3068del, p.Asn1022fs (NM_001291868.2); c.3595_3599del, p.Asn1199fs (NM_198270.4); short protein forms N1220fs, N1043fs, N1022fs, N1199fs.
Identifiers: ClinVar variation 651020 (VCV000651020.6), dbSNP rs1601859570, ClinGen allele CA915952332.

ClinVar aggregate classification (germline): Pathogenic (1 of 4 stars; one submission).

Conditions:
Nance-Horan syndrome (NHS). Identifiers: Orphanet 627, MedGen C0796085, MONDO:0010545, OMIM 302350.

Submission:

Labcorp Genetics (formerly Invitae), Labcorp
Classification: Pathogenic for Nance-Horan syndrome. Last evaluated: 2018-09-10. Review status: criteria provided, single submitter. Criteria: Invitae Variant Classification Sherloc (09022015). Collection method: clinical testing. Allele origin: germline.
Comment: This sequence change creates a premature translational stop signal (p.Asn1199Tyrfs*3) in the NHS gene. It is expected to result in an absent or disrupted protein product. This variant is not present in population databases (ExAC no frequency). For these reasons, this variant has been classified as Pathogenic. Loss-of-function variants in NHS are known to be pathogenic (PMID: 14564667, 19414485). This variant has not been reported in the literature in individuals with NHS-related disease.

Literature cited by the submitters: PubMed 14564667; PubMed 19414485.